The following is an entry in ClinVar:

ClinVar aggregate classification (germline): Likely pathogenic (1 of 4 stars; one submission).

Submission:

Athena Diagnostics
Classification: Likely pathogenic. Last evaluated: 2019-10-29. Review status: criteria provided, single submitter. Criteria: Athena Diagnostics Criteria. Collection method: clinical testing. Allele origin: unknown.
Comment: The variant results in a shift of the reading frame, and is therefore predicted to result in the loss of a functional protein. Not found in the total gnomAD dataset, and the data is high quality.

NM_000297.4(PKD2):c.1929dup (p.Ile644fs)

Gene: PKD2 (polycystin 2, transient receptor potential cation channel; plus strand). Cytogenetic location: 4q22.1.
Variant type: Duplication.
Coding change: c.1929dup on transcript NM_000297.4 (MANE Select); coding-DNA position 1929, one base duplicated (T; older notation c.1929dupT).
Protein change: p.Ile644fs; shifts the reading frame from isoleucine 644.
Molecular consequence: frameshift variant.
Genome position (GRCh38, 1-based): chr4:88,058,013, T duplicated. VCF-style (leftmost placement, unchanged base first): chr4-88058012-A-AT. GRCh37 (hg19) VCF-style: chr4-88979164-A-AT.
Other names: short protein forms I644fs.
Identifiers: ClinVar variation 994724 (VCV000994724.1), dbSNP rs1720428157, ClinGen allele CA1139658179.
Genomic context (GRCh38, chr4:88,058,012, plus strand): 5'-TGTATTGTGGTGTTTTGTTTTATTTTTATAGCTTCACTCAATTCCGTATCATTTTGGGCG[A>AT]TATCAACTTTGCAGAGATTGAGGAAGCTAATCGAGTTTTGGGACCAATTTATTTCACTAC-3'